The following is an entry in ClinVar:

ClinVar aggregate classification (germline): Uncertain significance (1 of 4 stars; one submission).

Submission:

Women's Health and Genetics/Laboratory Corporation of America, LabCorp
Classification: Uncertain significance. Last evaluated: 2025-07-10. Review status: criteria provided, single submitter. Criteria: LabCorp Variant Classification Summary - May 2015. Collection method: clinical testing. Allele origin: germline.
Comment: Variant summary: SYNE2 c.16516C>A (p.Leu5506Met) results in a conservative amino acid change in the encoded protein sequence. Algorithms developed to predict the effect of missense changes on protein structure and function are either unavailable or do not agree on the potential impact of this missense change. The variant was absent in 251244 control chromosomes. The available data on variant occurrences in the general population are insufficient to allow any conclusion about variant significance. To our knowledge, no occurrence of c.16516C>A in individuals affected with Emery-Dreifuss muscular dystrophy 5, autosomal dominant and no experimental evidence demonstrating its impact on protein function have been reported. No submitters have cited clinical-significance assessments for this variant to ClinVar. Based on the evidence outlined above, the variant was classified as uncertain significance.

NM_182914.3(SYNE2):c.16516C>A (p.Leu5506Met)

Gene: SYNE2 (spectrin repeat containing nuclear envelope protein 2; plus strand). Cytogenetic location: 14q23.2.
Variant type: single nucleotide variant.
Coding change: c.16516C>A on transcript NM_182914.3 (MANE Select); coding-DNA position 16516, C replaced by A.
Protein change: p.Leu5506Met; replaces leucine 5506 with methionine.
Molecular consequence: missense variant.
Genome position (GRCh38, 1-based): chr14:64,165,321, C>A. VCF-style: chr14-64165321-C-A. GRCh37 (hg19) VCF-style: chr14-64632039-C-A.
Other names: c.16516C>A, p.Leu5506Met (NM_015180.6); short protein forms L5506M.
Identifiers: ClinVar variation 4526009 (VCV004526009.1).
Genomic context (GRCh38, chr14:64,165,321, plus strand): 5'-TAATGAAAATTTCTCTTGTTCTAGTTTGTTCTCTCACAGTTTAAGGATTTTGGAGTCCGG[C>A]TGGAATCTTTAAAAGGTCTTATTATGCATGAAGAAGAGAATTTGGATAGACTTCACCAAC-3'
Protein context (NP_878918.2, residues 5496-5516): LSQFKDFGVR[Leu5506Met]ESLKGLIMHE